The following is an entry in ClinVar:

ClinVar aggregate classification (germline): Pathogenic (1 of 4 stars; one submission).

Submission:

Labcorp Genetics (formerly Invitae), Labcorp
Classification: Pathogenic. Last evaluated: 2024-01-04. Review status: criteria provided, single submitter. Criteria: Invitae Variant Classification Sherloc (09022015). Collection method: clinical testing. Allele origin: germline.
Comment: This sequence change creates a premature translational stop signal (p.Tyr486*) in the LCA5 gene. While this is not anticipated to result in nonsense mediated decay, it is expected to disrupt the last 212 amino acid(s) of the LCA5 protein. This variant is not present in population databases (gnomAD no frequency). This variant has not been reported in the literature in individuals affected with LCA5-related conditions. This variant disrupts a region of the LCA5 protein in which other variant(s) (p.Lys586*) have been determined to be pathogenic (PMID: 23946133, 27624628). This suggests that this is a clinically significant region of the protein, and that variants that disrupt it are likely to be disease-causing. For these reasons, this variant has been classified as Pathogenic.

Literature cited by the submitters: PubMed 23946133; PubMed 27624628.

NM_001122769.3(LCA5):c.1457dup (p.Tyr486Ter)

Gene: LCA5 (lebercilin LCA5; minus strand). Cytogenetic location: 6q14.1.
Variant type: Duplication.
Coding change: c.1457dup on transcript NM_001122769.3 (MANE Select); coding-DNA position 1457, one base duplicated (A; older notation c.1457dupA).
Protein change: p.Tyr486Ter; replaces tyrosine 486 with a stop codon.
Molecular consequence: nonsense.
Genome position (GRCh38, 1-based): chr6:79,487,641, T duplicated on the plus strand (A on the coding strand, the reverse complement: LCA5 is on the minus strand). VCF-style (leftmost placement, unchanged base first): chr6-79487640-G-GT. GRCh37 (hg19) VCF-style: chr6-80197357-G-GT.
Other names: c.1457dup, p.Tyr486Ter (NM_181714.4); short protein forms Y486*.
Identifiers: ClinVar variation 2700617 (VCV002700617.3), dbSNP rs2524068789, ClinGen allele CA2697553614.